The following is an entry in ClinVar:

ClinVar aggregate classification (germline): Uncertain significance. Review status: criteria provided, multiple submitters, no conflicts (2 of 4 stars). 2 submissions from 2 submitters: Uncertain significance (2). Last evaluated 2025-07-28.

Allele frequency attached by ClinVar (database versions not stated): gnomAD 0.00001 and 0.00002; TOPMed 0.00002; gnomAD exomes 0.00008; ExAC 0.00014.
gnomAD v4.1: 51 of 1,550,138 alleles (0.0033%); highest among the groups gnomAD compares: Middle Eastern, 0.017%; no homozygotes.

Submissions (2):

Labcorp Genetics (formerly Invitae), Labcorp
Classification: Uncertain significance. Last evaluated: 2025-07-28. Review status: criteria provided, single submitter. Criteria: Invitae Variant Classification Sherloc (09022015). Collection method: clinical testing. Allele origin: germline.
Comment: This sequence change replaces arginine, which is basic and polar, with tryptophan, which is neutral and slightly polar, at codon 557 of the PDZD7 protein (p.Arg557Trp). This variant is present in population databases (rs780079499, gnomAD 0.02%). This variant has not been reported in the literature in individuals affected with PDZD7-related conditions. ClinVar contains an entry for this variant (Variation ID: 1038524). Invitae Evidence Modeling of protein sequence and biophysical properties (such as structural, functional, and spatial information, amino acid conservation, physicochemical variation, residue mobility, and thermodynamic stability) indicates that this missense variant is not expected to disrupt PDZD7 protein function with a negative predictive value of 80%. In summary, the available evidence is currently insufficient to determine the role of this variant in disease. Therefore, it has been classified as a Variant of Uncertain Significance.

Blueprint Genetics
Classification: Uncertain significance. Last evaluated: 2024-08-29. Review status: criteria provided, single submitter. Criteria: ACMG Guidelines, 2015. Collection method: clinical testing. Allele origin: germline.

NM_001195263.2(PDZD7):c.1669C>T (p.Arg557Trp)

Gene: PDZD7 (PDZ domain containing 7; minus strand). Cytogenetic location: 10q24.31.
Variant type: single nucleotide variant.
Coding change: c.1669C>T on transcript NM_001195263.2 (MANE Select); coding-DNA position 1669, C replaced by T.
Protein change: p.Arg557Trp; replaces arginine 557 with tryptophan.
Molecular consequence: missense variant.
Genome position (GRCh38, 1-based): chr10:101,015,716, G>A on the plus strand (C>T on the coding strand, the complement: PDZD7 is on the minus strand). VCF-style: chr10-101015716-G-A. GRCh37 (hg19) VCF-style: chr10-102775473-G-A.
Other names: short protein forms R557W.
Identifiers: ClinVar variation 1038524 (VCV001038524.8), dbSNP rs780079499, ClinGen allele CA5654046.
Genomic context (GRCh38, chr10:101,015,716, plus strand): 5'-CAGCCAGCACCTCGTCATCAGTCAGCAGCCTCTGGGCCAGGTCCTGAATGAGGGGCCGCC[G>A]GCTCTCCCAGGCCTGAACCTGCTCATCCACATTAGGCAGCTGGCTGGAGGGACTCCCAGA-3'
Protein context (NP_001182192.1, residues 547-567): VDEQVQAWES[Arg557Trp]RPLIQDLAQR